The following is an entry in ClinVar:

ClinVar aggregate classification (germline): Uncertain significance (1 of 4 stars; one submission).

gnomAD v4.1: 2 of 1,614,184 alleles (0.00012%); highest among the groups gnomAD compares: South Asian, 0.0022%; no homozygotes.

Submission:

Women's Health and Genetics/Laboratory Corporation of America, LabCorp
Classification: Uncertain significance. Last evaluated: 2024-09-13. Review status: criteria provided, single submitter. Criteria: LabCorp Variant Classification Summary - May 2015. Collection method: clinical testing. Allele origin: germline.
Comment: Variant summary: HNF1A c.1039C>T (p.Pro347Ser) results in a non-conservative amino acid change located in the Hepatocyte nuclear factor 1, beta isoform, C-terminal of the encoded protein sequence. Four of five in-silico tools predict a damaging effect of the variant on protein function. The variant was absent in 251392 control chromosomes. The available data on variant occurrences in the general population are insufficient to allow any conclusion about variant significance. To our knowledge, no occurrence of c.1039C>T in individuals affected with Maturity Onset Diabetes Of The Young 3 and no experimental evidence demonstrating its impact on protein function have been reported. No submitters have cited clinical-significance assessments for this variant to ClinVar. Based on the evidence outlined above, the variant was classified as uncertain significance.

NM_000545.8(HNF1A):c.1039C>T (p.Pro347Ser)

Gene: HNF1A (HNF1 homeobox A; plus strand). Cytogenetic location: 12q24.31.
Variant type: single nucleotide variant.
Coding change: c.1039C>T on transcript NM_000545.8 (MANE Select); coding-DNA position 1039, C replaced by T.
Protein change: p.Pro347Ser; replaces proline 347 with serine.
Molecular consequence: missense variant.
Genome position (GRCh38, 1-based): chr12:120,996,345, C>T. VCF-style: chr12-120996345-C-T. GRCh37 (hg19) VCF-style: chr12-121434148-C-T.
Other names: c.1039C>T, p.Pro347Ser (NM_001306179.2, NM_001406915.1); short protein forms P347S.
Identifiers: ClinVar variation 3374839 (VCV003374839.1).
Genomic context (GRCh38, chr12:120,996,345, plus strand): 5'-ACCAGTGAGACTGCAGAAGTACCCTCAAGCAGCGGCGGTCCCTTAGTGACAGTGTCTACA[C>T]CCCTCCACCAAGTGTCCCCCACGGGCCTGGAGCCCAGCCACAGCCTGCTGAGTACAGAAG-3'
Protein context (NP_000536.6, residues 337-357): SGGPLVTVST[Pro347Ser]LHQVSPTGLE